The following is an entry in ClinVar:

ClinVar aggregate classification (germline): Uncertain significance (1 of 4 stars; one submission).

gnomAD v4.1: 3 of 1,600,438 alleles (0.00019%); highest among the groups gnomAD compares: Non-Finnish European, 0.00025%; no homozygotes.

Submission:

Labcorp Genetics (formerly Invitae), Labcorp
Classification: Uncertain significance. Last evaluated: 2025-02-12. Review status: criteria provided, single submitter. Criteria: Invitae Variant Classification Sherloc (09022015). Collection method: clinical testing. Allele origin: germline.
Comment: This sequence change replaces valine, which is neutral and non-polar, with leucine, which is neutral and non-polar, at codon 771 of the CLCN7 protein (p.Val771Leu). This variant is not present in population databases (gnomAD no frequency). This variant has not been reported in the literature in individuals affected with CLCN7-related conditions. An algorithm developed to predict the effect of missense changes on protein structure and function (PolyPhen-2) suggests that this variant is likely to be disruptive. In summary, the available evidence is currently insufficient to determine the role of this variant in disease. Therefore, it has been classified as a Variant of Uncertain Significance.

NM_001287.6(CLCN7):c.2311G>T (p.Val771Leu)

Gene: CLCN7 (Cl-/H+ antiporter 7; minus strand). Cytogenetic location: 16p13.3.
Variant type: single nucleotide variant.
Coding change: c.2311G>T on transcript NM_001287.6 (MANE Select); coding-DNA position 2311, G replaced by T.
Protein change: p.Val771Leu; replaces valine 771 with leucine.
Molecular consequence: missense variant.
Genome position (GRCh38, 1-based): chr16:1,447,026, C>A on the plus strand (G>T on the coding strand, the complement: CLCN7 is on the minus strand). VCF-style: chr16-1447026-C-A. GRCh37 (hg19) VCF-style: chr16-1497027-C-A.
Other names: c.2239G>T, p.Val747Leu (NM_001114331.3); short protein forms V747L, V771L.
Identifiers: ClinVar variation 3708298 (VCV003708298.2).